The following is an entry in ClinVar:

NM_001145026.2(PTPRQ):c.6772G>T (p.Asp2258Tyr)

Gene: PTPRQ (protein tyrosine phosphatase receptor type Q; plus strand). Cytogenetic location: 12q21.31.
Variant type: single nucleotide variant.
Coding change: c.6772G>T on transcript NM_001145026.2 (MANE Select); coding-DNA position 6772, G replaced by T.
Protein change: p.Asp2258Tyr; replaces aspartic acid 2258 with tyrosine.
Molecular consequence: missense variant.
Genome position (GRCh38, 1-based): chr12:80,678,635, G>T. VCF-style: chr12-80678635-G-T. GRCh37 (hg19) VCF-style: chr12-81072414-G-T.
Other names: short protein forms D2258Y.
Identifiers: ClinVar variation 3573505 (VCV003573505.1).

ClinVar aggregate classification (germline): Uncertain significance (1 of 4 stars; one submission).

gnomAD v4.1: 69 of 1,550,064 alleles (0.0045%); highest among the groups gnomAD compares: Admixed American, 0.0079%; no homozygotes.

Submission:

GeneDx
Classification: Uncertain significance. Last evaluated: 2024-07-18. Review status: criteria provided, single submitter. Criteria: GeneDx Variant Classification Process June 2021. Collection method: clinical testing. Allele origin: germline. Affected: yes.
Comment: Not observed at significant frequency in large population cohorts (gnomAD); In silico analysis supports that this missense variant has a deleterious effect on protein structure/function; Has not been previously published as pathogenic or benign to our knowledge; In silico analysis is inconclusive as to whether the variant alters gene splicing. In the absence of RNA/functional studies, the actual effect of this sequence change is unknown.